The following is an entry in ClinVar:

NM_000428.3(LTBP2):c.3767_3768del (p.Glu1256fs)

Gene: LTBP2 (latent transforming growth factor beta binding protein 2; minus strand). Cytogenetic location: 14q24.3.
Variant type: Microsatellite.
Coding change: c.3767_3768del on transcript NM_000428.3 (MANE Select); coding-DNA positions 3767 to 3768, 2 bases deleted (AG; older notation c.3767_3768delAG).
Protein change: p.Glu1256fs; shifts the reading frame from glutamic acid 1256.
Molecular consequence: frameshift variant.
Genome position (GRCh38, 1-based): chr14:74,507,980-74,507,981, CT deleted on the plus strand (AG on the coding strand, the reverse complement: LTBP2 is on the minus strand); deleting any 2 consecutive bases within chr14:74,507,980-74,507,984 gives the same sequence; the c. name uses the placement nearest the transcript's 3' end. VCF-style (leftmost placement, unchanged base first): chr14-74507979-ACT-A. GRCh37 (hg19) VCF-style: chr14-74974682-ACT-A.
Other names: short protein forms E1256fs.
Identifiers: ClinVar variation 3727187 (VCV003727187.2).

ClinVar aggregate classification (germline): Pathogenic (1 of 4 stars; one submission).

Submission:

Labcorp Genetics (formerly Invitae), Labcorp
Classification: Pathogenic. Last evaluated: 2024-12-12. Review status: criteria provided, single submitter. Criteria: Invitae Variant Classification Sherloc (09022015). Collection method: clinical testing. Allele origin: germline.
Comment: This sequence change creates a premature translational stop signal (p.Glu1256Valfs*5) in the LTBP2 gene. It is expected to result in an absent or disrupted protein product. Loss-of-function variants in LTBP2 are known to be pathogenic (PMID: 19361779, 19656777, 22025892). This variant is not present in population databases (gnomAD no frequency). This variant has not been reported in the literature in individuals affected with LTBP2-related conditions. For these reasons, this variant has been classified as Pathogenic.

Literature cited by the submitters: PubMed 19361779; PubMed 19656777; PubMed 22025892.